The following is an entry in ClinVar:

ClinVar aggregate classification (germline): Conflicting classifications of pathogenicity. Review status: criteria provided, conflicting classifications (1 of 4 stars). 2 submissions from 2 submitters: Likely pathogenic (1); Uncertain significance (1). Last evaluated 2017-09-01.

Conditions:
Intellectual developmental disorder, autosomal dominant 6, with or without seizures. Also called: Intellectual disability, autosomal dominant 6; GRIN2B-related developmental delay, intellectual disability and autism spectrum disorder. Identifiers: Orphanet 589547, MedGen C3151411, MONDO:0013509, OMIM 613970.

Submissions (2):

Baylor Genetics
Classification: Uncertain significance for Intellectual developmental disorder, autosomal dominant 6, with or without seizures. Last evaluated: 2017-09-01. Review status: criteria provided, single submitter. Criteria: ACMG Guidelines, 2015. Collection method: clinical testing. Allele origin: de novo. Inheritance: Autosomal dominant inheritance. Affected: yes.

Institute of Human Genetics, University of Leipzig Medical Center
Classification: Likely pathogenic for Intellectual developmental disorder, autosomal dominant 6, with or without seizures. Last evaluated: 2017-04-04. Review status: criteria provided, single submitter. Criteria: ACMG Guidelines, 2015. Collection method: clinical testing. Allele origin: de novo. Affected: yes.
Comment: This variant was identified as de novo (maternity and paternity confirmed).

Literature cited by the submitters: PubMed 25326635 (cited by Baylor Genetics); PubMed 28377535 (cited by Institute of Human Genetics, University of Leipzig Medical Center).

NM_000834.5(GRIN2B):c.1306T>C (p.Cys436Arg)

Gene: GRIN2B (glutamate ionotropic receptor NMDA type subunit 2B; minus strand). Cytogenetic location: 12p13.1.
Variant type: single nucleotide variant.
Coding change: c.1306T>C on transcript NM_000834.5 (MANE Select); coding-DNA position 1306, T replaced by C.
Protein change: p.Cys436Arg; replaces cysteine 436 with arginine.
Molecular consequence: missense variant.
Genome position (GRCh38, 1-based): chr12:13,616,477, A>G on the plus strand (T>C on the coding strand, the complement: GRIN2B is on the minus strand). VCF-style: chr12-13616477-A-G. GRCh37 (hg19) VCF-style: chr12-13769411-A-G.
Other names: short protein forms C436R.
Identifiers: ClinVar variation 561022 (VCV000561022.4), dbSNP rs1565478152, ClinGen allele CA384052486.